The following is an entry in ClinVar:

ClinVar aggregate classification (germline): Benign/Likely benign. Review status: criteria provided, multiple submitters, no conflicts (2 of 4 stars). 3 submissions from 3 submitters: Benign (1); Likely benign (2). Last evaluated 2025-07-14.

Conditions:
Hereditary cancer-predisposing syndrome. Also called: Hereditary Cancer Syndrome; Neoplastic Syndromes, Hereditary; Tumor predisposition; Hereditary neoplastic syndrome. Identifiers: Orphanet 140162, MedGen C0027672, MeSH D009386, MONDO:0015356.
Ataxia-telangiectasia syndrome (AT). Also called: Cerebello-oculocutaneous telangiectasia; Immunodeficiency with ataxia telangiectasia; Ataxia-telangiectasia, complementation group E; Ataxia-telangiectasia, complementation group D; AT, COMPLEMENTATION GROUP C; ATAXIA-TELANGIECTASIA, COMPLEMENTATION GROUP A. Identifiers: Orphanet 100, MedGen C0004135, MONDO:0008840, OMIM 208900.
Familial cancer of breast. Also called: BREAST CANCER, FAMILIAL; Hereditary breast cancer; hereditary breast carcinoma. Identifiers: Orphanet 227535, MedGen C0346153, MONDO:0016419, OMIM 114480. Disease mechanism: loss of function.

Allele frequency attached by ClinVar (database versions not stated): gnomAD exomes below 0.00001; ExAC 0.00001.
gnomAD v4.1: 1 of 1,614,126 alleles (0.000062%); highest among the groups gnomAD compares: Non-Finnish European, 0.000085%; no homozygotes.

Submissions (3):

Labcorp Genetics (formerly Invitae), Labcorp
Classification: Likely benign for Ataxia-telangiectasia syndrome. Last evaluated: 2025-07-14. Review status: criteria provided, single submitter. Criteria: Invitae Variant Classification Sherloc (09022015). Collection method: clinical testing. Allele origin: germline.

Myriad Genetics, Inc.
Classification: Benign for Familial cancer of breast. Last evaluated: 2024-06-13. Review status: criteria provided, single submitter. Criteria: Myriad Autosomal Dominant, Autosomal Recessive and X-Linked Classification Criteria (2023). Collection method: clinical testing. Allele origin: unknown.
Comment: This variant is considered benign. This variant is a silent/synonymous amino acid change and it is not expected to impact splicing.

Ambry Genetics
Classification: Likely benign for Hereditary cancer-predisposing syndrome. Last evaluated: 2019-07-12. Review status: criteria provided, single submitter. Criteria: Ambry Variant Classification Scheme 2023. Collection method: clinical testing. Allele origin: germline.

NM_000051.4(ATM):c.7113T>C (p.Tyr2371=)

Genes: ATM (ATM serine/threonine kinase; plus strand), C11orf65 (chromosome 11 open reading frame 65; minus strand). Cytogenetic location: 11q22.3.
Variant type: single nucleotide variant.
Coding change: c.7113T>C on transcript NM_000051.4 (MANE Select); coding-DNA position 7113, T replaced by C.
Protein change: p.Tyr2371=; no amino-acid change (tyrosine 2371 retained).
Molecular consequence: synonymous variant. On other transcripts: intron variant (2).
Genome position (GRCh38, 1-based): chr11:108,329,044, T>C. VCF-style: chr11-108329044-T-C. GRCh37 (hg19) VCF-style: chr11-108199771-T-C.
Other names: c.7113T>C, p.Tyr2371= (NM_001351834.2); c.641-19973A>G (NM_001330368.2); c.*38+6176A>G (NM_001351110.2).
Identifiers: ClinVar variation 524449 (VCV000524449.17), dbSNP rs760534895, ClinGen allele CA6266071.
Genomic context (GRCh38, chr11:108,329,044, plus strand): 5'-TGTAAATATAATTTAAATTGGTTGTGTTTTCTTGAAGGCAGTAGAAGTTGCTGGAAATTA[T>C]GATGGAGAAAGTAGTGATGAGCTAAGAAATGGAAAAATGAAGGCATTTCTCTCATTAGCC-3'
Protein context (NP_000042.3, residues 2361-2381): LEKAVEVAGN[Tyr2371=]DGESSDELRN